The following is an entry in ClinVar:

ClinVar aggregate classification (germline): Uncertain significance (1 of 4 stars; one submission).

Submission:

Labcorp Genetics (formerly Invitae), Labcorp
Classification: Uncertain significance. Last evaluated: 2022-09-05. Review status: criteria provided, single submitter. Criteria: Invitae Variant Classification Sherloc (09022015). Collection method: clinical testing. Allele origin: germline.
Comment: Algorithms developed to predict the effect of sequence changes on RNA splicing suggest that this variant may disrupt the consensus splice site. In summary, the available evidence is currently insufficient to determine the role of this variant in disease. Therefore, it has been classified as a Variant of Uncertain Significance. Algorithms developed to predict the effect of missense changes on protein structure and function (SIFT, PolyPhen-2, Align-GVGD) all suggest that this variant is likely to be disruptive. This variant has not been reported in the literature in individuals affected with ADAMTS13-related conditions. This variant is not present in population databases (gnomAD no frequency). This sequence change replaces valine, which is neutral and non-polar, with glycine, which is neutral and non-polar, at codon 523 of the ADAMTS13 protein (p.Val523Gly).

NM_139027.6(ADAMTS13):c.1568T>G (p.Val523Gly)

Gene: ADAMTS13 (ADAM metallopeptidase with thrombospondin type 1 motif 13; plus strand). Cytogenetic location: 9q34.2.
Variant type: single nucleotide variant.
Coding change: c.1568T>G on transcript NM_139027.6 (MANE Select); coding-DNA position 1568, T replaced by G.
Protein change: p.Val523Gly; replaces valine 523 with glycine.
Molecular consequence: missense variant.
Genome position (GRCh38, 1-based): chr9:133,437,881, T>G. VCF-style: chr9-133437881-T-G. GRCh37 (hg19) VCF-style: chr9-136303001-T-G.
Other names: c.1568T>G, p.Val523Gly (NM_139025.5); c.1475T>G, p.Val492Gly (NM_139026.6); short protein forms V492G, V523G.
Identifiers: ClinVar variation 1718876 (VCV001718876.5), dbSNP rs2491212228, ClinGen allele CA375392688.